The following is an entry in ClinVar:

GRCh38/hg38 9p24.3(chr9:579739-753199)x3

Genes: KANK1 (KN motif and ankyrin repeat domains 1; plus strand), KANK1-AS1 (KANK1 antisense RNA 1; minus strand), LOC126860553 (BRD4-independent group 4 enhancer GRCh37_chr9:621337-622536; plus strand), LOC126860554 (MED14-independent group 3 enhancer GRCh37_chr9:737889-739088; plus strand), LOC129390062 (MPRA-validated peak7200 silencer; plus strand). Cytogenetic location: 9p24.3.
Variant type: copy number gain.
Change: copy number 3 (three copies instead of two) of chr9:579,739-753,199 (173.5 kb, GRCh38 coordinates, 1-based), cytogenetic band 9p24.3.
Identifiers: ClinVar variation 149714 (VCV000149714.2).

ClinVar aggregate classification (germline): Benign/Likely benign (0 of 4 stars; one submission).

Submission:

ISCA site 4
Classification: Benign/Likely benign. Last evaluated: 2012-09-21. Review status: no assertion criteria provided. Collection method: clinical testing. Allele origin: unknown. Affected: yes. Observed: 3 variant alleles. Clinical features observed: Developmental delay AND/OR other significant developmental or morphological phenotypes, Global developmental delay (HP:0001263), Delayed fine motor development (HP:0010862), Autism (HP:0000717), Poor coordination (HP:0002370), Delayed speech and language development (HP:0000750).
Comment: Likely benign (2), Benign (1)

Copy number variation identified through the course of routine clinical cytogenomic testing in postnatal populations, with clinical assertions as classified by the original submitter.